The following is an entry in ClinVar:

NM_003922.4(HERC1):c.9010C>T (p.Arg3004Cys)

Gene: HERC1 (HECT and RLD domain containing E3 ubiquitin protein ligase family member 1; minus strand). Cytogenetic location: 15q22.31.
Variant type: single nucleotide variant.
Coding change: c.9010C>T on transcript NM_003922.4 (MANE Select); coding-DNA position 9010, C replaced by T.
Protein change: p.Arg3004Cys; replaces arginine 3004 with cysteine.
Molecular consequence: missense variant.
Genome position (GRCh38, 1-based): chr15:63,661,913, G>A on the plus strand (C>T on the coding strand, the complement: HERC1 is on the minus strand). VCF-style: chr15-63661913-G-A. GRCh37 (hg19) VCF-style: chr15-63954112-G-A.
Other names: c.9010C>T (NM_003922.3); short protein forms R3004C.
Identifiers: ClinVar variation 1955807 (VCV001955807.7), dbSNP rs747391229, ClinGen allele CA7604814.

ClinVar aggregate classification (germline): Uncertain significance. Review status: criteria provided, multiple submitters, no conflicts (2 of 4 stars). 3 submissions from 3 submitters: Uncertain significance (3). Last evaluated 2025-08-06.

Conditions:
Inborn genetic diseases. Identifiers: MedGen C0950123, MeSH D030342.

Allele frequency attached by ClinVar (database versions not stated): gnomAD 0.00001; ExAC 0.00003; TOPMed 0.00003.
gnomAD v4.1: 19 of 1,613,770 alleles (0.0012%); highest among the groups gnomAD compares: South Asian, 0.0055%; no homozygotes.

Submissions (3):

Ambry Genetics
Classification: Uncertain significance for Inborn genetic diseases. Last evaluated: 2025-08-06. Review status: criteria provided, single submitter. Criteria: Ambry Variant Classification Scheme 2023. Collection method: clinical testing. Allele origin: germline.

GeneDx
Classification: Uncertain significance. Last evaluated: 2023-03-26. Review status: criteria provided, single submitter. Criteria: GeneDx Variant Classification Process June 2021. Collection method: clinical testing. Allele origin: germline. Affected: yes.
Comment: Not observed at significant frequency in large population cohorts (gnomAD); In silico analysis supports that this missense variant has a deleterious effect on protein structure/function; Has not been previously published as pathogenic or benign to our knowledge

Labcorp Genetics (formerly Invitae), Labcorp
Classification: Uncertain significance. Last evaluated: 2022-04-17. Review status: criteria provided, single submitter. Criteria: Invitae Variant Classification Sherloc (09022015). Collection method: clinical testing. Allele origin: germline.
Comment: This sequence change replaces arginine, which is basic and polar, with cysteine, which is neutral and slightly polar, at codon 3004 of the HERC1 protein (p.Arg3004Cys). In summary, the available evidence is currently insufficient to determine the role of this variant in disease. Therefore, it has been classified as a Variant of Uncertain Significance. Algorithms developed to predict the effect of missense changes on protein structure and function (SIFT, PolyPhen-2, Align-GVGD) all suggest that this variant is likely to be disruptive. This variant has not been reported in the literature in individuals affected with HERC1-related conditions. This variant is present in population databases (rs747391229, gnomAD 0.01%).